The following is an entry in ClinVar:

ClinVar aggregate classification (germline): Likely pathogenic (1 of 4 stars; one submission).

Conditions:
Cone-rod dystrophy 13 (CORD13). Identifiers: Orphanet 1872, MedGen C2750720, MONDO:0011987, OMIM 608194.
Leber congenital amaurosis 6 (LCA6). Identifiers: Orphanet 65, MedGen C1854260, MONDO:0013446, OMIM 613826.

Submission:

Labcorp Genetics (formerly Invitae), Labcorp
Classification: Likely pathogenic for Leber congenital amaurosis 6; Cone-rod dystrophy 13. Last evaluated: 2019-09-10. Review status: criteria provided, single submitter. Criteria: Invitae Variant Classification Sherloc (09022015). Collection method: clinical testing. Allele origin: germline.
Comment: In summary, the currently available evidence indicates that the variant is pathogenic, but additional data are needed to prove that conclusively. Therefore, this variant has been classified as Likely Pathogenic. Donor and acceptor splice site variants typically lead to a loss of protein function (PMID: 16199547), and loss-of-function variants in RPGRIP1 are known to be pathogenic (PMID: 11528500, 23105016). Algorithms developed to predict the effect of sequence changes on RNA splicing suggest that this variant may disrupt the consensus splice site, but this prediction has not been confirmed by published transcriptional studies. This variant is not present in population databases (ExAC no frequency). This sequence change affects an acceptor splice site in intron 2 of the RPGRIP1 gene. It is expected to disrupt RNA splicing and likely results in an absent or disrupted protein product.

Literature cited by the submitters: PubMed 16199547; PubMed 11528500; PubMed 23105016.

NM_020366.4(RPGRIP1):c.219-2A>G

Gene: RPGRIP1 (RPGR interacting protein 1; plus strand). Cytogenetic location: 14q11.2.
Variant type: single nucleotide variant.
Coding change: c.219-2A>G on transcript NM_020366.4 (MANE Select); the canonical splice acceptor site of the intron before coding-DNA position 219, A replaced by G.
Molecular consequence: splice acceptor variant.
Genome position (GRCh38, 1-based): chr14:21,300,964, A>G. VCF-style: chr14-21300964-A-G. GRCh37 (hg19) VCF-style: chr14-21769123-A-G.
Identifiers: ClinVar variation 962259 (VCV000962259.10), dbSNP rs1880999471, ClinGen allele CA388858386.